The following is an entry in ClinVar:

ClinVar aggregate classification (germline): Likely benign. Review status: criteria provided, single submitter (1 of 4 stars). 2 submissions from 2 submitters: Likely benign (1). 1 of the submissions does not count toward it. Last evaluated 2026-07-01.

Conditions:
ITSN1-related disorder. Also called: ITSN1-related condition.

Allele frequency attached by ClinVar (database versions not stated): gnomAD 0.00017; TOPMed 0.00021; gnomAD exomes 0.00022; ExAC 0.00047; 1000 Genomes Project 30x 0.00094; 1000 Genomes Project 0.00120.
gnomAD v4.1: 356 of 1,612,642 alleles (0.022%); highest among the groups gnomAD compares: East Asian, 0.73%; 2 homozygotes.

Submissions (2):

CeGaT Center for Human Genetics Tuebingen
Classification: Likely benign. Last evaluated: 2026-07-01. Review status: criteria provided, single submitter. Criteria: CeGaT Center For Human Genetics Tuebingen Variant Classification Criteria Version 2. Collection method: clinical testing. Allele origin: germline. Affected: yes. Observed: 1 variant allele.
Comment: ITSN1: BP4, BP7, BS1

PreventionGenetics, part of Exact Sciences
Classification: Likely benign for ITSN1-related condition. Last evaluated: 2019-10-28. Review status: no assertion criteria provided. Collection method: clinical testing. Allele origin: germline. Not counted in ClinVar's aggregate classification.
Comment: This variant is classified as likely benign based on ACMG/AMP sequence variant interpretation guidelines (Richards et al. 2015 PMID: 25741868, with internal and published modifications).

NM_003024.3(ITSN1):c.963C>T (p.Ser321=)

Gene: ITSN1 (intersectin 1; plus strand). Cytogenetic location: 21q22.11.
Variant type: single nucleotide variant.
Coding change: c.963C>T on transcript NM_003024.3 (MANE Select); coding-DNA position 963, C replaced by T.
Protein change: p.Ser321=; no amino-acid change (serine 321 retained).
Molecular consequence: synonymous variant.
Genome position (GRCh38, 1-based): chr21:33,767,749, C>T. VCF-style: chr21-33767749-C-T. GRCh37 (hg19) VCF-style: chr21-35140053-C-T.
Other names: c.963C>T, p.Ser321= (NM_001001132.2, NM_001331008.2, NM_001331009.2 and 2 more transcripts); c.852C>T, p.Ser284= (NM_001331012.2).
Identifiers: ClinVar variation 3033288 (VCV003033288.3), dbSNP rs79522704, ClinGen allele CA10011471.